The following is an entry in ClinVar:

NM_174916.3(UBR1):c.5202C>G (p.Ser1734Arg)

Gene: UBR1 (ubiquitin protein ligase E3 component n-recognin 1; minus strand). Cytogenetic location: 15q15.2.
Variant type: single nucleotide variant.
Coding change: c.5202C>G on transcript NM_174916.3 (MANE Select); coding-DNA position 5202, C replaced by G.
Protein change: p.Ser1734Arg; replaces serine 1734 with arginine.
Molecular consequence: missense variant.
Genome position (GRCh38, 1-based): chr15:42,945,377, G>C on the plus strand (C>G on the coding strand, the complement: UBR1 is on the minus strand). VCF-style: chr15-42945377-G-C. GRCh37 (hg19) VCF-style: chr15-43237575-G-C.
Other names: c.5202C>G (NM_174916.2); short protein forms S1734R.
Identifiers: ClinVar variation 1533596 (VCV001533596.11), dbSNP rs139367236, ClinGen allele CA7517648.

ClinVar aggregate classification (germline): Conflicting classifications of pathogenicity. Review status: criteria provided, conflicting classifications (1 of 4 stars). 4 submissions from 4 submitters: Uncertain significance (1); Likely benign (2). 1 of the submissions does not count toward it. Last evaluated 2026-01-25.

Conditions:
UBR1-related disorder. Also called: UBR1-related condition.
Inborn genetic diseases. Identifiers: MedGen C0950123, MeSH D030342.

Allele frequency attached by ClinVar (database versions not stated): gnomAD 0.00090 and 0.00094; TOPMed 0.00102; 1000 Genomes Project 0.00220; 1000 Genomes Project 30x 0.00265; gnomAD exomes 0.00025; ExAC 0.00035; ESP Exome Variant Server 0.00069.
gnomAD v4.1: 335 of 1,614,052 alleles (0.021%); highest among the groups gnomAD compares: African/African-American, 0.29%; no homozygotes.

Submissions (4):

Labcorp Genetics (formerly Invitae), Labcorp
Classification: Likely benign. Last evaluated: 2026-01-25. Review status: criteria provided, single submitter. Criteria: Invitae Variant Classification Sherloc (09022015). Collection method: clinical testing. Allele origin: germline.

Ambry Genetics
Classification: Likely benign for Inborn genetic diseases. Last evaluated: 2024-01-08. Review status: criteria provided, single submitter. Criteria: Ambry Variant Classification Scheme 2023. Collection method: clinical testing. Allele origin: germline.

GeneDx
Classification: Uncertain significance. Last evaluated: 2023-06-15. Review status: criteria provided, single submitter. Criteria: GeneDx Variant Classification Process June 2021. Collection method: clinical testing. Allele origin: germline. Affected: yes.
Comment: In silico analysis supports that this missense variant does not alter protein structure/function; Has not been previously published as pathogenic or benign to our knowledge

PreventionGenetics, part of Exact Sciences
Classification: Likely benign for UBR1-related condition. Last evaluated: 2022-04-22. Review status: no assertion criteria provided. Collection method: clinical testing. Allele origin: germline. Not counted in ClinVar's aggregate classification.
Comment: This variant is classified as likely benign based on ACMG/AMP sequence variant interpretation guidelines (Richards et al. 2015 PMID: 25741868, with internal and published modifications).